The following is an entry in ClinVar:

NM_001023570.4(IQCB1):c.745A>T (p.Arg249Ter)

Gene: IQCB1 (IQ motif containing B1; minus strand). Cytogenetic location: 3q13.33.
Variant type: single nucleotide variant.
Coding change: c.745A>T on transcript NM_001023570.4 (MANE Select); coding-DNA position 745, A replaced by T.
Protein change: p.Arg249Ter; replaces arginine 249 with a stop codon.
Molecular consequence: nonsense. On other transcripts: non-coding transcript variant (1), intron variant (1).
Genome position (GRCh38, 1-based): chr3:121,799,217, T>A on the plus strand (A>T on the coding strand, the complement: IQCB1 is on the minus strand). VCF-style: chr3-121799217-T-A. GRCh37 (hg19) VCF-style: chr3-121518064-T-A.
Other names: c.745A>T, p.Arg249Ter (NM_001319107.2); c.587+8127A>T (NM_001023571.4); short protein forms R249*.
Identifiers: ClinVar variation 4538512 (VCV004538512.1).

ClinVar aggregate classification (germline): Pathogenic (1 of 4 stars; one submission).

Conditions:
Retinal disorder. Also called: Retinopathies; Retinal Diseases; Retinal disorders; Retinopathy. Identifiers: MedGen C0035309, MONDO:0005283, HP:0000488.

gnomAD v4.1: 4 of 1,609,850 alleles (0.00025%); highest among the groups gnomAD compares: South Asian, 0.0033%; no homozygotes.

Submission:

Genetics Laboratory, Great Ormond Street Hospital NHS Foundation Trust, North Thames Genomic Laboratory Hub
Classification: Pathogenic for Retinal disorders. Last evaluated: 2025-10-20. Review status: criteria provided, single submitter. Criteria: ACGS Best Practice Guidelines for Variant Classification in Rare Disease 2024 v1.2. Collection method: clinical testing. Allele origin: germline. Affected: yes.
Comment: PM2_moderate, PVS1_very-strong